The following is an entry in ClinVar:

ClinVar aggregate classification (germline): Benign. Review status: criteria provided, multiple submitters, no conflicts (2 of 4 stars). 2 submissions from 2 submitters: Benign (2). Last evaluated 2018-06-14.

Allele frequency attached by ClinVar (database versions not stated): gnomAD 0.10387 and 0.10221; 1000 Genomes Project 30x 0.08307; 1000 Genomes Project 0.08327; TOPMed 0.10238.
gnomAD v4.1: 15,624 of 152,234 alleles (10%); highest among the groups gnomAD compares: Middle Eastern, 24%; 903 homozygotes.

Submissions (2):

GeneDx
Classification: Benign. Last evaluated: 2018-06-14. Review status: criteria provided, single submitter. Criteria: GeneDx Variant Classification (06012015). Collection method: clinical testing. Allele origin: germline. Affected: yes.
Comment: This variant is considered likely benign or benign based on one or more of the following criteria: it is a conservative change, it occurs at a poorly conserved position in the protein, it is predicted to be benign by multiple in silico algorithms, and/or has population frequency not consistent with disease.

Breakthrough Genomics
Classification: Benign. Review status: criteria provided, single submitter. Criteria: ACMG Guidelines, 2015. Collection method: not provided. Allele origin: germline. Inheritance: Autosomal recessive inheritance. Affected: yes.

NM_001083961.2(WDR62):c.4153+153G>T

Gene: WDR62 (WD repeat domain 62; plus strand). Cytogenetic location: 19q13.12.
Variant type: single nucleotide variant.
Coding change: c.4153+153G>T on transcript NM_001083961.2 (MANE Select); 153 bases into the intron after coding-DNA position 4153, G replaced by T.
Molecular consequence: intron variant.
Genome position (GRCh38, 1-based): chr19:36,104,134, G>T. VCF-style: chr19-36104134-G-T. GRCh37 (hg19) VCF-style: chr19-36595036-G-T.
Other names: c.4138+153G>T (NM_173636.5).
Identifiers: ClinVar variation 670286 (VCV000670286.2), dbSNP rs62111360, ClinGen allele CA14727327.